The following is an entry in ClinVar:

ClinVar aggregate classification (germline): Uncertain significance. Review status: criteria provided, multiple submitters, no conflicts (2 of 4 stars). 3 submissions from 3 submitters: Uncertain significance (3). Last evaluated 2025-10-09.

Conditions:
RTEL1-related disorder. Also called: RTEL1-related condition; RTEL1-related disorders.
Pulmonary fibrosis and/or bone marrow failure, Telomere-related, 3. Also called: PULMONARY FIBROSIS AND/OR BONE MARROW FAILURE SYNDROME, TELOMERE-RELATED, 3. Identifiers: Orphanet 2032, MedGen C4225346, MONDO:0014613, OMIM 616373.
Dyskeratosis congenita, autosomal recessive 5 (DKCB5). Identifiers: MedGen C3554656, MONDO:0014076, OMIM 615190.

Allele frequency attached by ClinVar (database versions not stated): TOPMed 0.00001; ExAC 0.00002; gnomAD exomes 0.00002.
gnomAD v4.1: 47 of 1,612,582 alleles (0.0029%); highest among the groups gnomAD compares: South Asian, 0.018%; no homozygotes.

Submissions (3):

PreventionGenetics, part of Exact Sciences
Classification: Uncertain significance for RTEL1-related condition. Last evaluated: 2025-10-09. Review status: criteria provided, single submitter. Criteria: ACMG Guidelines, 2015. Collection method: clinical testing. Allele origin: germline.
Comment: The RTEL1 c.3274C>T variant is predicted to result in the amino acid substitution p.Arg1092Cys. To our knowledge, this variant has not been reported in the literature. This variant is reported in 0.0098% of alleles in individuals of South Asian descent in gnomAD. At this time, the clinical significance of this variant is uncertain due to the absence of conclusive functional and genetic evidence.

Labcorp Genetics (formerly Invitae), Labcorp
Classification: Uncertain significance for Dyskeratosis congenita, autosomal recessive 5; Pulmonary fibrosis and/or bone marrow failure, Telomere-related, 3. Last evaluated: 2025-10-04. Review status: criteria provided, single submitter. Criteria: Invitae Variant Classification Sherloc (09022015). Collection method: clinical testing. Allele origin: germline.
Comment: This sequence change replaces arginine, which is basic and polar, with cysteine, which is neutral and slightly polar, at codon 1068 of the RTEL1 protein (p.Arg1068Cys). This variant is present in population databases (rs762640318, gnomAD 0.01%). This variant has not been reported in the literature in individuals affected with RTEL1-related conditions. ClinVar contains an entry for this variant (Variation ID: 1314566). An algorithm developed to predict the effect of missense changes on protein structure and function (PolyPhen-2) suggests that this variant is likely to be disruptive. In summary, the available evidence is currently insufficient to determine the role of this variant in disease. Therefore, it has been classified as a Variant of Uncertain Significance.

GeneDx
Classification: Uncertain significance. Last evaluated: 2021-04-05. Review status: criteria provided, single submitter. Criteria: GeneDx Variant Classification Process June 2021. Collection method: clinical testing. Allele origin: germline. Affected: yes.
Comment: Not observed at a significant frequency in large population cohorts (Lek 2016); In silico analysis supports that this missense variant has a deleterious effect on protein structure/function; Has not been previously published as pathogenic or benign to our knowledge

NM_001283009.2(RTEL1):c.3202C>T (p.Arg1068Cys)

Genes: RTEL1 (regulator of telomere elongation helicase 1; plus strand), RTEL1-TNFRSF6B (RTEL1-TNFRSF6B readthrough (NMD candidate); plus strand). Cytogenetic location: 20q13.33.
Variant type: single nucleotide variant.
Coding change: c.3202C>T on transcript NM_001283009.2 (MANE Select); coding-DNA position 3202, C replaced by T.
Protein change: p.Arg1068Cys; replaces arginine 1068 with cysteine.
Molecular consequence: missense variant. On other transcripts: non-coding transcript variant (1).
Genome position (GRCh38, 1-based): chr20:63,694,833, C>T. VCF-style: chr20-63694833-C-T. GRCh37 (hg19) VCF-style: chr20-62326186-C-T.
Other names: c.2533C>T, p.Arg845Cys (NM_001283010.1); c.3202C>T, p.Arg1068Cys (NM_016434.4); c.3274C>T, p.Arg1092Cys (NM_032957.5); short protein forms R1068C, R1092C, R845C.
Identifiers: ClinVar variation 1314566 (VCV001314566.7), dbSNP rs762640318, ClinGen allele CA9965903.